The following is an entry in ClinVar:

ClinVar aggregate classification (germline): Likely pathogenic (0 of 4 stars; one submission).

Conditions:
RFX3-related disorder. Also called: RFX3-related condition.

Submission:

PreventionGenetics, part of Exact Sciences
Classification: Likely pathogenic for RFX3-related condition. Last evaluated: 2024-08-17. Review status: no assertion criteria provided. Collection method: clinical testing. Allele origin: germline.
Comment: The RFX3 c.106_109delGTAC variant is predicted to result in a frameshift and premature protein termination (p.Val36Asnfs*67). To our knowledge, this variant has not been reported in the literature or in a large population database, indicating this variant is rare. Frameshift variants in RFX3 are expected to be pathogenic. This variant is interpreted as likely pathogenic.

NM_001282116.2(RFX3):c.106_109del (p.Val36fs)

Gene: RFX3 (regulatory factor X3; minus strand). Cytogenetic location: 9p24.2.
Variant type: Deletion.
Coding change: c.106_109del on transcript NM_001282116.2 (MANE Select); coding-DNA positions 106 to 109, 4 bases deleted (GTAC; older notation c.106_109delGTAC).
Protein change: p.Val36fs; shifts the reading frame from valine 36.
Molecular consequence: frameshift variant.
Genome position (GRCh38, 1-based): chr9:3,395,480-3,395,483, GTAC deleted on the plus strand (GTAC on the coding strand, the reverse complement: RFX3 is on the minus strand). VCF-style (leftmost placement, unchanged base first): chr9-3395479-TGTAC-T. GRCh37 (hg19) VCF-style: chr9-3395479-TGTAC-T.
Other names: c.106_109del, p.Val36fs (NM_001282117.2, NM_001377999.1, NM_002919.4 and 1 more transcripts); short protein forms V36fs.
Identifiers: ClinVar variation 3346579 (VCV003346579.1).